The following is an entry in ClinVar:

ClinVar aggregate classification (germline): Uncertain significance (1 of 4 stars; one submission).

Conditions:
Developmental and epileptic encephalopathy, 25 (DEE25). Also called: Epileptic encephalopathy, early infantile, 25; Developmental and epileptic encephalopathy 25, with amelogenesis imperfecta; Epileptic encephalopathy, early infantile, 25, with amelogenesis imperfecta. Identifiers: Orphanet 442835, MedGen C4014621, MONDO:0014392, OMIM 615905.

Submission:

Labcorp Genetics (formerly Invitae), Labcorp
Classification: Uncertain significance for Developmental and epileptic encephalopathy, 25. Last evaluated: 2022-05-27. Review status: criteria provided, single submitter. Criteria: Invitae Variant Classification Sherloc (09022015). Collection method: clinical testing. Allele origin: germline.
Comment: This variant has not been reported in the literature in individuals affected with SLC13A5-related conditions. In summary, the available evidence is currently insufficient to determine the role of this variant in disease. Therefore, it has been classified as a Variant of Uncertain Significance. Algorithms developed to predict the effect of missense changes on protein structure and function (SIFT, PolyPhen-2, Align-GVGD) all suggest that this variant is likely to be disruptive. This variant is not present in population databases (gnomAD no frequency). This sequence change replaces leucine, which is neutral and non-polar, with proline, which is neutral and non-polar, at codon 366 of the SLC13A5 protein (p.Leu366Pro).

NM_177550.5(SLC13A5):c.1097T>C (p.Leu366Pro)

Gene: SLC13A5 (solute carrier family 13 member 5; minus strand). Cytogenetic location: 17p13.1.
Variant type: single nucleotide variant.
Coding change: c.1097T>C on transcript NM_177550.5 (MANE Select); coding-DNA position 1097, T replaced by C.
Protein change: p.Leu366Pro; replaces leucine 366 with proline.
Molecular consequence: missense variant.
Genome position (GRCh38, 1-based): chr17:6,694,156, A>G on the plus strand (T>C on the coding strand, the complement: SLC13A5 is on the minus strand). VCF-style: chr17-6694156-A-G. GRCh37 (hg19) VCF-style: chr17-6597475-A-G.
Other names: c.1097T>C, p.Leu366Pro (NM_001143838.3); c.1046T>C, p.Leu349Pro (NM_001284509.2); c.968T>C, p.Leu323Pro (NM_001284510.2); short protein forms L349P, L323P, L366P.
Identifiers: ClinVar variation 2132760 (VCV002132760.4), dbSNP rs2544620607, ClinGen allele CA397742602.